The following is an entry in ClinVar:

ClinVar aggregate classification (germline): Pathogenic (1 of 4 stars; one submission).

Submission:

Labcorp Genetics (formerly Invitae), Labcorp
Classification: Pathogenic. Last evaluated: 2023-10-15. Review status: criteria provided, single submitter. Criteria: Invitae Variant Classification Sherloc (09022015). Collection method: clinical testing. Allele origin: germline.
Comment: This sequence change creates a premature translational stop signal (p.Ser1577Glufs*18) in the PCDH15 gene. While this is not anticipated to result in nonsense mediated decay, it is expected to disrupt the last 379 amino acid(s) of the PCDH15 protein. This variant is not present in population databases (gnomAD no frequency). This variant has not been reported in the literature in individuals affected with PCDH15-related conditions. This variant disrupts a region of the PCDH15 protein in which other variant(s) (p.Val1578Alafs*6) have been determined to be pathogenic (PMID: 33089500; Invitae). This suggests that this is a clinically significant region of the protein, and that variants that disrupt it are likely to be disease-causing. For these reasons, this variant has been classified as Pathogenic.

Literature cited by the submitters: PubMed 33089500.

NM_033056.4(PCDH15):c.4700_4728dup (p.Ser1577fs)

Gene: PCDH15 (protocadherin related 15; minus strand). Cytogenetic location: 10q21.1.
Variant type: Duplication.
Coding change: c.4700_4728dup on transcript NM_033056.4 (MANE Plus Clinical); coding-DNA positions 4700 to 4728, 29 bases duplicated (GAGAAAAGATTCAGAGGCTGTGGAGTCAG).
Protein change: p.Ser1577fs; shifts the reading frame from serine 1577.
Molecular consequence: frameshift variant. On other transcripts: intron variant (8).
Genome position (GRCh38, 1-based): chr10:53,822,998-53,823,026, CTGACTCCACAGCCTCTGAATCTTTTCTC duplicated on the plus strand (GAGAAAAGATTCAGAGGCTGTGGAGTCAG on the coding strand, the reverse complement: PCDH15 is on the minus strand). VCF-style (leftmost placement, unchanged base first): chr10-53822997-A-ACTGACTCCACAGCCTCTGAATCTTTTCTC. GRCh37 (hg19) VCF-style: chr10-55582757-A-ACTGACTCCACAGCCTCTGAATCTTTTCTC.
Other names: c.4368-2796_4368-2768dup (NM_001384140.1); c.4373+2110_4373+2138dup (NM_001142772.2, NM_001142770.3); c.4388+2110_4388+2138dup (NM_001142771.2); c.4388+4367_4388+4395dup (NM_001354411.2); c.4409+2110_4409+2138dup (NM_001142769.3); c.4640_4668dup, p.Ser1557fs (NM_001142768.2); c.4631_4659dup, p.Ser1554fs (NM_001142773.2); c.4634_4662dup, p.Ser1555fs (NM_001354404.2); and 6 more; short protein forms S1537fs, S1555fs, S1574fs, S1577fs, S1554fs, S1557fs, S1579fs, S1584fs.
Identifiers: ClinVar variation 2828324 (VCV002828324.3), dbSNP rs2492399843, ClinGen allele CA2739265380.